The following is an entry in ClinVar:

NM_017802.4(DNAAF5):c.1403T>A (p.Leu468His)

Gene: DNAAF5 (dynein axonemal assembly factor 5; plus strand). Cytogenetic location: 7p22.3.
Variant type: single nucleotide variant.
Coding change: c.1403T>A on transcript NM_017802.4 (MANE Select); coding-DNA position 1403, T replaced by A.
Protein change: p.Leu468His; replaces leucine 468 with histidine.
Molecular consequence: missense variant. On other transcripts: non-coding transcript variant (1).
Genome position (GRCh38, 1-based): chr7:756,927, T>A. VCF-style: chr7-756927-T-A. GRCh37 (hg19) VCF-style: chr7-796564-T-A.
Other names: short protein forms L468H.
Identifiers: ClinVar variation 3840707 (VCV003840707.1).

ClinVar aggregate classification (germline): Uncertain significance (1 of 4 stars; one submission).

Conditions:
Primary ciliary dyskinesia. Also called: Ciliary dyskinesia. Identifiers: Orphanet 244, MedGen C0008780, MONDO:0016575, HP:0012265.

Submission:

Ambry Genetics
Classification: Uncertain significance for Primary ciliary dyskinesia. Last evaluated: 2024-12-13. Review status: criteria provided, single submitter. Criteria: Ambry Variant Classification Scheme 2023. Collection method: clinical testing. Allele origin: germline.
Comment: The p.L468H variant (also known as c.1403T>A), located in coding exon 6 of the DNAAF5 gene, results from a T to A substitution at nucleotide position 1403. The leucine at codon 468 is replaced by histidine, an amino acid with similar properties. This amino acid position is conserved. In addition, this alteration is predicted to be deleterious by in silico analysis. Based on the available evidence, the clinical significance of this variant remains unclear.